The following is an entry in ClinVar:

NM_032608.7(MYO18B):c.619G>A (p.Glu207Lys)

Gene: MYO18B (myosin XVIIIB; plus strand). Cytogenetic location: 22q12.1.
Variant type: single nucleotide variant.
Coding change: c.619G>A on transcript NM_032608.7 (MANE Select); coding-DNA position 619, G replaced by A.
Protein change: p.Glu207Lys; replaces glutamic acid 207 with lysine.
Molecular consequence: missense variant.
Genome position (GRCh38, 1-based): chr22:25,768,535, G>A. VCF-style: chr22-25768535-G-A. GRCh37 (hg19) VCF-style: chr22-26164502-G-A.
Other names: c.619G>A, p.Glu207Lys (NM_001318245.2); short protein forms E207K.
Identifiers: ClinVar variation 1525433 (VCV001525433.7), dbSNP rs1196149636, ClinGen allele CA411002787.
Genomic context (GRCh38, chr22:25,768,535, plus strand): 5'-ACTGGAAAGGAAAAGAAAGGGGAGACCTCTAGGACTCCTTGTGGCTCCCAGGCCAGCACC[G>A]AGATCTTGGCCCCGAAAGCTGAGAAGACCCGGACTGGGGGTCTTGGGGACCCAGGCCAAG-3'
Protein context (NP_115997.5, residues 197-217): RTPCGSQAST[Glu207Lys]ILAPKAEKTR

ClinVar aggregate classification (germline): Uncertain significance. Review status: criteria provided, multiple submitters, no conflicts (2 of 4 stars). 2 submissions from 2 submitters: Uncertain significance (2). Last evaluated 2023-06-16.

Conditions:
Klippel-Feil anomaly-myopathy-facial dysmorphism syndrome. Also called: Klippel-feil syndrome 4, autosomal recessive, with nemaline myopathy and facial dysmorphism; Klippel-Feil syndrome 4, autosomal recessive, with myopathy and facial dysmorphism. Identifiers: Orphanet 447974, MedGen C4225285, MONDO:0014689, OMIM 616549.

Allele frequency attached by ClinVar (database versions not stated): gnomAD exomes 0.00002 and 0.00008; TOPMed 0.00023; gnomAD 0.00029 and 0.00031.
gnomAD v4.1: 76 of 1,553,966 alleles (0.0049%); highest among the groups gnomAD compares: Admixed American, 0.11%; 1 homozygote.

Submissions (2):

Revvity Omics, Revvity
Classification: Uncertain significance for Klippel-Feil anomaly-myopathy-facial dysmorphism syndrome. Last evaluated: 2023-06-16. Review status: criteria provided, single submitter. Criteria: ACMG Guidelines, 2015. Collection method: clinical testing. Allele origin: germline.

Labcorp Genetics (formerly Invitae), Labcorp
Classification: Uncertain significance. Last evaluated: 2022-07-28. Review status: criteria provided, single submitter. Criteria: Invitae Variant Classification Sherloc (09022015). Collection method: clinical testing. Allele origin: germline.
Comment: This sequence change replaces glutamic acid, which is acidic and polar, with lysine, which is basic and polar, at codon 207 of the MYO18B protein (p.Glu207Lys). This variant is present in population databases (no rsID available, gnomAD 0.05%). This variant has not been reported in the literature in individuals affected with MYO18B-related conditions. ClinVar contains an entry for this variant (Variation ID: 1525433). Algorithms developed to predict the effect of missense changes on protein structure and function output the following: SIFT: "Not Available"; PolyPhen-2: "Benign"; Align-GVGD: "Not Available". The lysine amino acid residue is found in multiple mammalian species, which suggests that this missense change does not adversely affect protein function. In summary, the available evidence is currently insufficient to determine the role of this variant in disease. Therefore, it has been classified as a Variant of Uncertain Significance.